The following is an entry in ClinVar:

ClinVar aggregate classification (germline): Uncertain significance (1 of 4 stars; one submission).

gnomAD v4.1: 1 of 1,591,534 alleles (0.000063%); highest among the groups gnomAD compares: Non-Finnish European, 0.000085%; no homozygotes.

Submission:

Labcorp Genetics (formerly Invitae), Labcorp
Classification: Uncertain significance. Last evaluated: 2025-06-17. Review status: criteria provided, single submitter. Criteria: Invitae Variant Classification Sherloc (09022015). Collection method: clinical testing. Allele origin: germline.
Comment: This sequence change replaces valine, which is neutral and non-polar, with phenylalanine, which is neutral and non-polar, at codon 556 of the RIMS1 protein (p.Val556Phe). This variant is not present in population databases (gnomAD no frequency). This variant has not been reported in the literature in individuals affected with RIMS1-related conditions. An algorithm developed to predict the effect of missense changes on protein structure and function (PolyPhen-2) suggests that this variant is likely to be disruptive. In summary, the available evidence is currently insufficient to determine the role of this variant in disease. Therefore, it has been classified as a Variant of Uncertain Significance.

NM_014989.7(RIMS1):c.1666G>T (p.Val556Phe)

Genes: RIMS1 (regulating synaptic membrane exocytosis 1; plus strand), LOC129996709 (ATAC-STARR-seq lymphoblastoid active region 24736; plus strand). Cytogenetic location: 6q13.
Variant type: single nucleotide variant.
Coding change: c.1666G>T on transcript NM_014989.7 (MANE Select); coding-DNA position 1666, G replaced by T.
Protein change: p.Val556Phe; replaces valine 556 with phenylalanine.
Molecular consequence: missense variant.
Genome position (GRCh38, 1-based): chr6:72,183,137, G>T. VCF-style: chr6-72183137-G-T. GRCh37 (hg19) VCF-style: chr6-72892840-G-T.
Other names: short protein forms V556F.
Identifiers: ClinVar variation 4808215 (VCV004808215.1).
Genomic context (GRCh38, chr6:72,183,137, plus strand): 5'-GAGGGCGTGTCGACGCCCGAGTACACCAGCTGCGAGGACGTGGAGCTGGAGAGCGAGAGC[G>T]TCAGCGAGAAAGGTAAGGGGGCGGCGCCGGCCGTGCGGGGACTTCAGCCAAGTGAAGAGG-3'
Protein context (NP_055804.2, residues 546-566): CEDVELESES[Val556Phe]SEKGDLDYYW